The following is an entry in ClinVar:

ClinVar aggregate classification (germline): Likely benign (0 of 4 stars; one submission).

Conditions:
SLC5A9-related disorder. Also called: SLC5A9-related condition.

Allele frequency attached by ClinVar (database versions not stated): 1000 Genomes Project 30x 0.00016; 1000 Genomes Project 0.00020; ExAC 0.00022; gnomAD 0.00054; TOPMed 0.00067; ESP Exome Variant Server 0.00069.
gnomAD v4.1: 234 of 1,613,596 alleles (0.015%); highest among the groups gnomAD compares: African/African-American, 0.2%; no homozygotes.

Submission:

PreventionGenetics, part of Exact Sciences
Classification: Likely benign for SLC5A9-related condition. Last evaluated: 2019-04-26. Review status: no assertion criteria provided. Collection method: clinical testing. Allele origin: germline.
Comment: This variant is classified as likely benign based on ACMG/AMP sequence variant interpretation guidelines (Richards et al. 2015 PMID: 25741868, with internal and published modifications).

NM_001011547.3(SLC5A9):c.1773C>T (p.Ala591=)

Gene: SLC5A9 (solute carrier family 5 member 9; plus strand). Cytogenetic location: 1p33.
Variant type: single nucleotide variant.
Coding change: c.1773C>T on transcript NM_001011547.3 (MANE Select); coding-DNA position 1773, C replaced by T.
Protein change: p.Ala591=; no amino-acid change (alanine 591 retained).
Molecular consequence: synonymous variant.
Genome position (GRCh38, 1-based): chr1:48,242,552, C>T. VCF-style: chr1-48242552-C-T. GRCh37 (hg19) VCF-style: chr1-48708224-C-T.
Other names: c.1848C>T, p.Ala616= (NM_001135181.2).
Identifiers: ClinVar variation 3051718 (VCV003051718.2), dbSNP rs147141681, ClinGen allele CA844012.
Genomic context (GRCh38, chr1:48,242,552, plus strand): 5'-CCTCTCTGAGCTGGAGAAGGAGGCCCACGAGAGCACACCGGAGATATCCGAGAGGCCAGC[C>T]GGGGAGTGCCCTGCAGGAGGTGGAGCGGCAGAGAACTCGAGCCTGGGCCAGGAGCAGCCT-3'
Protein context (NP_001011547.2, residues 581-601): ESTPEISERP[Ala591=]GECPAGGGAA